The following is an entry in ClinVar:

NM_203446.3(SYNJ1):c.*278T>G

Gene: SYNJ1 (synaptojanin 1; minus strand). Cytogenetic location: 21q22.11.
Variant type: single nucleotide variant.
Coding change: c.*278T>G on transcript NM_203446.3 (MANE Select); 278 bases downstream of the stop codon, T replaced by G.
Molecular consequence: 3 prime UTR variant. On other transcripts: missense variant (2).
Genome position (GRCh38, 1-based): chr21:32,631,527, A>C on the plus strand (T>G on the coding strand, the complement: SYNJ1 is on the minus strand). VCF-style: chr21-32631527-A-C. GRCh37 (hg19) VCF-style: chr21-34003837-A-C.
Other names: c.*278T>G (NM_001160302.2); c.4049T>G, p.Ile1350Ser (NM_001160306.2); c.4307T>G, p.Ile1436Ser (NM_003895.4); short protein forms I1436S, I1350S.
Identifiers: ClinVar variation 1429172 (VCV001429172.38), dbSNP rs61750218, ClinGen allele CA10003139.

ClinVar aggregate classification (germline): Uncertain significance. Review status: criteria provided, multiple submitters, no conflicts (2 of 4 stars). 3 submissions from 3 submitters: Uncertain significance (3). Last evaluated 2025-03-01.

Conditions:
Early-onset Parkinson disease 20. Also called: PARKINSON DISEASE 20, AUTOSOMAL RECESSIVE EARLY-ONSET. Identifiers: Orphanet 391411, MedGen C3809824, MONDO:0014233, OMIM 615530.
Developmental and epileptic encephalopathy, 53. Also called: Epileptic encephalopathy, early infantile, 53. Identifiers: MedGen C4479313, MONDO:0033362, OMIM 617389.
Inborn genetic diseases. Identifiers: MedGen C0950123, MeSH D030342.

Allele frequency attached by ClinVar (database versions not stated): ExAC 0.00002; gnomAD 0.00002; gnomAD exomes 0.00003 and 0.00004; TOPMed 0.00003.
gnomAD v4.1: 62 of 1,614,050 alleles (0.0038%); highest among the groups gnomAD compares: Non-Finnish European, 0.0052%; no homozygotes.

Submissions (3):

CeGaT Center for Human Genetics Tuebingen
Classification: Uncertain significance. Last evaluated: 2025-03-01. Review status: criteria provided, single submitter. Criteria: CeGaT Center For Human Genetics Tuebingen Variant Classification Criteria Version 2. Collection method: clinical testing. Allele origin: germline. Affected: yes. Observed: 2 variant alleles.
Comment: SYNJ1: PM2, BP4

Labcorp Genetics (formerly Invitae), Labcorp
Classification: Uncertain significance for Developmental and epileptic encephalopathy, 53; Early-onset Parkinson disease 20. Last evaluated: 2022-07-12. Review status: criteria provided, single submitter. Criteria: Invitae Variant Classification Sherloc (09022015). Collection method: clinical testing. Allele origin: germline.
Comment: This sequence change replaces isoleucine, which is neutral and non-polar, with serine, which is neutral and polar, at codon 1436 of the SYNJ1 protein (p.Ile1436Ser). This variant is present in population databases (rs61750218, gnomAD 0.006%). This variant has not been reported in the literature in individuals affected with SYNJ1-related conditions. ClinVar contains an entry for this variant (Variation ID: 1429172). Algorithms developed to predict the effect of missense changes on protein structure and function are either unavailable or do not agree on the potential impact of this missense change (SIFT: "Deleterious"; PolyPhen-2: "Benign"; Align-GVGD: "Class C0"). Algorithms developed to predict the effect of sequence changes on RNA splicing suggest that this variant may create or strengthen a splice site. In summary, the available evidence is currently insufficient to determine the role of this variant in disease. Therefore, it has been classified as a Variant of Uncertain Significance.

Ambry Genetics
Classification: Uncertain significance for Inborn genetic diseases. Last evaluated: 2021-03-17. Review status: criteria provided, single submitter. Criteria: Ambry Variant Classification Scheme 2023. Collection method: clinical testing. Allele origin: germline.
Comment: The c.4307T>G (p.I1436S) alteration is located in exon 32 (coding exon 32) of the SYNJ1 gene. This alteration results from a T to G substitution at nucleotide position 4307, causing the isoleucine (I) at amino acid position 1436 to be replaced by a serine (S). The p.I1436S alteration is predicted to be tolerated by in silico analysis. Based on insufficient or conflicting evidence, the clinical significance of this alteration remains unclear.